The following continues an entry in ClinVar:

NM_058216.3(RAD51C):c.730A>G (p.Ile244Val)

Gene: RAD51C. ClinVar aggregate classification (germline): Conflicting classifications of pathogenicity. Uncertain significance (14); Likely benign (3).

Submissions 10 to 17 of 17:

Ambry Genetics
Classification: Likely benign for Hereditary cancer-predisposing syndrome. Last evaluated: 2024-08-29. Review status: criteria provided, single submitter. Criteria: Ambry Variant Classification Scheme 2023. Collection method: clinical testing. Allele origin: germline.

GeneDx
Classification: Uncertain significance. Last evaluated: 2024-03-12. Review status: criteria provided, single submitter. Criteria: GeneDx Variant Classification Process June 2021. Collection method: clinical testing. Allele origin: germline. Affected: yes.
Comment: In silico analysis supports that this missense variant does not alter protein structure/function; Observed in individuals with breast, ovarian or colorectal cancer (PMID: 25186627, 27978560, 33552952, 35039523); This variant is associated with the following publications: (PMID: 22538716, 25186627, 33552952, 25470109, 27978560, 35039523, 14704354, 38136308)

Baylor Genetics
Classification: Uncertain significance for Breast-ovarian cancer, familial, susceptibility to, 3. Last evaluated: 2024-02-20. Review status: criteria provided, single submitter. Criteria: ACMG Guidelines, 2015. Collection method: clinical testing. Allele origin: unknown.

Institute for Biomarker Research, Medical Diagnostic Laboratories, L.L.C.
Classification: Uncertain significance for Hereditary breast ovarian cancer syndrome. Last evaluated: 2023-09-21. Review status: criteria provided, single submitter. Criteria: ACMG Guidelines, 2015. Collection method: clinical testing. Allele origin: germline.

KCCC/NGS Laboratory, Kuwait Cancer Control Center
Classification: Uncertain significance for Breast-ovarian cancer, familial, susceptibility to, 3. Last evaluated: 2023-07-07. Review status: criteria provided, single submitter. Criteria: ACMG Guidelines, 2015. Collection method: clinical testing. Allele origin: unknown. Affected: yes.
Comment: This sequence change replaces isoleucine with valine at codon 244 of the RAD51C protein (p.Ile244Val). The isoleucine residue is highly conserved and there is a small physicochemical difference between isoleucine and valine. This variant has been observed in individual(s) with colorectal cancer (PMID: 27978560). ClinVar contains an entry for this variant (Variation ID: 182827) with 5 submission, all of which describe it as of uncertain significance, two stars, no conflicts. In-silico predictions show this variant is likely to be tolerated. However, these predictions have not been confirmed by published functional studies and their clinical significance is uncertain. The evidence is currently insufficient to determine the role of this variant in disease. Therefore, it has been classified as a Variant of Uncertain Significance.

Department of Pathology and Laboratory Medicine, Sinai Health System
Classification: Uncertain significance for Breast-ovarian cancer, familial, susceptibility to, 3. Last evaluated: 2022-08-23. Review status: criteria provided, single submitter. Criteria: ACMG Guidelines, 2015. Collection method: clinical testing. Allele origin: germline. Affected: yes.

Fulgent Genetics
Classification: Uncertain significance for Fanconi anemia complementation group O; Breast-ovarian cancer, familial, susceptibility to, 3. Last evaluated: 2022-03-22. Review status: criteria provided, single submitter. Criteria: ACMG Guidelines, 2015. Collection method: clinical testing. Allele origin: unknown.

Genetic Services Laboratory, University of Chicago
Classification: Uncertain significance. Last evaluated: 2019-12-11. Review status: criteria provided, single submitter. Criteria: ACMG Guidelines, 2015. Collection method: clinical testing. Allele origin: germline. Affected: no.

Literature cited by the submitters: PubMed 27978560 (cited by 6 submitters); PubMed 33552952 (cited by 6 submitters); PubMed 35039523 (cited by Labcorp Genetics (formerly Invitae), Labcorp and Department of Pathology and Laboratory Medicine, Sinai Health System); PubMed 38136308 (cited by 3 submitters); PubMed 22538716 (cited by 6 submitters); PubMed 25186627 (cited by 4 submitters); PubMed 33471991 (cited by Quest Diagnostics Nichols Institute San Juan Capistrano); PubMed 25470109 (cited by Quest Diagnostics Nichols Institute San Juan Capistrano); PubMed 37253112 (cited by Quest Diagnostics Nichols Institute San Juan Capistrano and Ambry Genetics); PubMed 25085752 (cited by Myriad Genetics, Inc.); PubMed 29641532 (cited by Department of Pathology and Laboratory Medicine, Sinai Health System).